The following is an entry in ClinVar:

ClinVar aggregate classification (germline): Uncertain significance (1 of 4 stars; one submission).

Submission:

Women's Health and Genetics/Laboratory Corporation of America, LabCorp
Classification: Uncertain significance. Last evaluated: 2026-05-27. Review status: criteria provided, single submitter. Criteria: LabCorp Variant Classification Summary - May 2015. Collection method: clinical testing. Allele origin: germline.
Comment: Variant summary: CDC42BPB c.3917A>C (p.Tyr1306Ser) results in a non-conservative amino acid change in the encoded protein sequence. Algorithms developed to predict the effect of missense changes on protein structure and function are either unavailable or do not agree on the potential impact of this missense change. The variant was absent in 249546 control chromosomes. The available data on variant occurrences in the general population are insufficient to allow any conclusion about variant significance. To our knowledge, no occurrence of c.3917A>C in individuals affected with CDC42BPB-related conditions and no experimental evidence demonstrating its impact on protein function have been reported. No submitters have cited clinical-significance assessments for this variant to ClinVar. Based on the evidence outlined above, the variant was classified as uncertain significance.

NM_006035.4(CDC42BPB):c.3917A>C (p.Tyr1306Ser)

Gene: CDC42BPB (CDC42 binding protein kinase beta; minus strand). Cytogenetic location: 14q32.32.
Variant type: single nucleotide variant.
Coding change: c.3917A>C on transcript NM_006035.4 (MANE Select); coding-DNA position 3917, A replaced by C.
Protein change: p.Tyr1306Ser; replaces tyrosine 1306 with serine.
Molecular consequence: missense variant.
Genome position (GRCh38, 1-based): chr14:102,944,382, T>G on the plus strand (A>C on the coding strand, the complement: CDC42BPB is on the minus strand). VCF-style: chr14-102944382-T-G. GRCh37 (hg19) VCF-style: chr14-103410719-T-G.
Other names: c.3839A>C, p.Tyr1280Ser (NM_001411054.1); short protein forms Y1280S, Y1306S.
Identifiers: ClinVar variation 4853660 (VCV004853660.1).